The following is an entry in ClinVar:

NM_001374504.1(TMPRSS6):c.827T>G (p.Leu276Arg)

Gene: TMPRSS6 (transmembrane serine protease 6; minus strand). Cytogenetic location: 22q12.3.
Variant type: single nucleotide variant.
Coding change: c.827T>G on transcript NM_001374504.1 (MANE Select); coding-DNA position 827, T replaced by G.
Protein change: p.Leu276Arg; replaces leucine 276 with arginine.
Molecular consequence: missense variant.
Genome position (GRCh38, 1-based): chr22:37,089,587, A>C on the plus strand (T>G on the coding strand, the complement: TMPRSS6 is on the minus strand). VCF-style: chr22-37089587-A-C. GRCh37 (hg19) VCF-style: chr22-37485627-A-C.
Other names: c.827T>G, p.Leu276Arg (NM_001289000.2, NM_001289001.2, NM_153609.4); short protein forms L276R.
Identifiers: ClinVar variation 1030292 (VCV001030292.2), dbSNP rs372887020, ClinGen allele CA10215904.

ClinVar aggregate classification (germline): Uncertain significance. Review status: criteria provided, multiple submitters, no conflicts (2 of 4 stars). 2 submissions from 2 submitters: Uncertain significance (2). Last evaluated 2025-03-28.

Conditions:
Inborn genetic diseases. Identifiers: MedGen C0950123, MeSH D030342.
Microcytic anemia. Identifiers: MedGen C5194182, MONDO:0001245, HP:0001935. Disease mechanism: loss of function.

Allele frequency attached by ClinVar (database versions not stated): gnomAD 0.00001 and 0.00002; gnomAD exomes 0.00001 and below 0.00001; ExAC 0.00001; TOPMed 0.00002; ESP Exome Variant Server 0.00008.
gnomAD v4.1: 14 of 1,354,978 alleles (0.001%); highest among the groups gnomAD compares: Non-Finnish European, 0.0013%; no homozygotes.

Submissions (2):

Ambry Genetics
Classification: Uncertain significance for Inborn genetic diseases. Last evaluated: 2025-03-28. Review status: criteria provided, single submitter. Criteria: Ambry Variant Classification Scheme 2023. Collection method: clinical testing. Allele origin: germline.

Baylor Genetics
Classification: Uncertain significance for Iron-refractory iron deficiency anemia. Last evaluated: 2020-05-19. Review status: criteria provided, single submitter. Criteria: ACMG Guidelines, 2015. Collection method: clinical testing. Allele origin: unknown. Affected: yes.
Comment: This variant was determined to be of uncertain significance according to ACMG Guidelines, 2015 [PMID:25741868].